The following is an entry in ClinVar:

NM_001267550.2(TTN):c.105313A>G (p.Lys35105Glu)

Genes: TTN (titin; minus strand), TTN-AS1 (TTN antisense RNA 1; plus strand). Cytogenetic location: 2q31.2.
Variant type: single nucleotide variant.
Coding change: c.105313A>G on transcript NM_001267550.2 (MANE Select); coding-DNA position 105313, A replaced by G.
Protein change: p.Lys35105Glu; replaces lysine 35105 with glutamic acid.
Molecular consequence: missense variant.
Genome position (GRCh38, 1-based): chr2:178,531,302, T>C on the plus strand (A>G on the coding strand, the complement: TTN is on the minus strand). VCF-style: chr2-178531302-T-C. GRCh37 (hg19) VCF-style: chr2-179396029-T-C.
Other names: c.100390A>G, p.Lys33464Glu (NM_001256850.1); c.78118A>G, p.Lys26040Glu (NM_003319.4); c.97609A>G, p.Lys32537Glu (NM_133378.4); c.78493A>G, p.Lys26165Glu (NM_133432.3); c.78694A>G, p.Lys26232Glu (NM_133437.4); short protein forms K26040E, K26165E, K26232E, K32537E, K33464E, K35105E.
Identifiers: ClinVar variation 1334475 (VCV001334475.4), dbSNP rs2154133425, ClinGen allele CA349409033.
Genomic context (GRCh38, chr2:178,531,302, plus strand): 5'-TCTTGATCTTTCTGGTTGTGGATTTTTCTTCCAGTGACTTTTCTTCTAATGCAGCACTTT[T>C]CATTTCTGCAGATGCAGAGTGTTCATATGAGGAGAGACTTTCCCTTGTCTCCGTCATCTG-3'
Protein context (NP_001254479.2, residues 35095-35115): SYEHSASAEM[Lys35105Glu]SAALEEKSLE

ClinVar aggregate classification (germline): Uncertain significance (1 of 4 stars; one submission).

Submission:

Greenwood Genetic Center Diagnostic Laboratories, Greenwood Genetic Center
Classification: Uncertain significance. Last evaluated: 2021-06-02. Review status: criteria provided, single submitter. Criteria: ACMG Guidelines, 2015. Collection method: clinical testing. Allele origin: germline. Affected: yes.
Comment: PM2